The following is an entry in ClinVar:

NM_001110556.2(FLNA):c.565A>G (p.Ser189Gly)

Gene: FLNA (filamin A; minus strand). Cytogenetic location: Xq28.
Variant type: single nucleotide variant.
Coding change: c.565A>G on transcript NM_001110556.2 (MANE Select); coding-DNA position 565, A replaced by G.
Protein change: p.Ser189Gly; replaces serine 189 with glycine.
Molecular consequence: missense variant.
Genome position (GRCh38, 1-based): chrX:154,367,899, T>C on the plus strand (A>G on the coding strand, the complement: FLNA is on the minus strand). VCF-style: chrX-154367899-T-C. GRCh37 (hg19) VCF-style: chrX-153596267-T-C.
Other names: c.565A>G, p.Ser189Gly (NM_001456.4); short protein forms S189G.
Identifiers: ClinVar variation 4789605 (VCV004789605.1).

ClinVar aggregate classification (germline): Uncertain significance (1 of 4 stars; one submission).

Conditions:
Heterotopia, periventricular, X-linked dominant (PVNH1). Also called: PERIVENTRICULAR NODULAR HETEROTOPIA 4; HETEROTOPIA, PERIVENTRICULAR, 1; PERIVENTRICULAR NODULAR HETEROTOPIA 1; X-linked periventricular heterotopia. Identifiers: Orphanet 2149, Orphanet 82004, MedGen C1848213, MONDO:0010233, OMIM 300049.
Oto-palato-digital syndrome, type II (OPD2). Also called: Otopalatodigital Syndrome, Type II; FACIOPALATOOSSEOUS SYNDROME; OPD II SYNDROME; Otopalatodigital Syndrome Type 2 (FLNA-OPD2). Identifiers: Orphanet 669, Orphanet 90652, MedGen C1844696, MONDO:0010571, OMIM 304120.
Melnick-Needles syndrome (MNS). Also called: MELNICK-NEEDLES OSTEODYSPLASTY; OSTEODYSPLASTY OF MELNICK AND NEEDLES; Melnick-Needles Syndrome (FLNA-MNS). Identifiers: Orphanet 2484, MedGen C0025237, MONDO:0010650, OMIM 309350.
Frontometaphyseal dysplasia (FMD1). Identifiers: Orphanet 1826, MedGen C0265293, MONDO:0015942.

Submission:

Labcorp Genetics (formerly Invitae), Labcorp
Classification: Uncertain significance for Oto-palato-digital syndrome, type II; Heterotopia, periventricular, X-linked dominant; Frontometaphyseal dysplasia; Melnick-Needles syndrome. Last evaluated: 2025-05-13. Review status: criteria provided, single submitter. Criteria: Invitae Variant Classification Sherloc (09022015). Collection method: clinical testing. Allele origin: germline.
Comment: This sequence change replaces serine, which is neutral and polar, with glycine, which is neutral and non-polar, at codon 189 of the FLNA protein (p.Ser189Gly). This variant is not present in population databases (gnomAD no frequency). This variant has not been reported in the literature in individuals affected with FLNA-related conditions. Invitae Evidence Modeling of protein sequence and biophysical properties (such as structural, functional, and spatial information, amino acid conservation, physicochemical variation, residue mobility, and thermodynamic stability) indicates that this missense variant is not expected to disrupt FLNA protein function with a negative predictive value of 95%. In summary, the available evidence is currently insufficient to determine the role of this variant in disease. Therefore, it has been classified as a Variant of Uncertain Significance.